The following is an entry in ClinVar:

ClinVar aggregate classification (germline): Likely benign (1 of 4 stars; one submission).

Conditions:
SLC12A1-related disorder. Also called: SLC12A1-related condition.

gnomAD v4.1: 5 of 1,613,410 alleles (0.00031%); highest among the groups gnomAD compares: African/African-American, 0.0053%; no homozygotes.

Submission:

PreventionGenetics, part of Exact Sciences
Classification: Likely benign for SLC12A1-related condition. Last evaluated: 2026-09-02. Review status: criteria provided, single submitter. Criteria: ACMG Guidelines, 2015. Collection method: clinical testing. Allele origin: germline.
Comment: This variant is classified as likely benign based on ACMG/AMP sequence variant interpretation guidelines (Richards et al. 2015 PMID: 25741868, with internal and published modifications).

NM_000338.3(SLC12A1):c.444A>G (p.Ser148=)

Gene: SLC12A1 (solute carrier family 12 member 1; plus strand). Cytogenetic location: 15q21.1.
Variant type: single nucleotide variant.
Coding change: c.444A>G on transcript NM_000338.3 (MANE Select); coding-DNA position 444, A replaced by G.
Protein change: p.Ser148=; no amino-acid change (serine 148 retained).
Molecular consequence: synonymous variant.
Genome position (GRCh38, 1-based): chr15:48,220,657, A>G. VCF-style: chr15-48220657-A-G. GRCh37 (hg19) VCF-style: chr15-48512854-A-G.
Other names: c.444A>G, p.Ser148= (NM_001184832.2, NM_001384136.1).
Identifiers: ClinVar variation 4988029 (VCV004988029.1).
Genomic context (GRCh38, chr15:48,220,657, plus strand): 5'-GACCAACTACTGTGTTTTTGCTATCTATAAAATGCAGAATGTGGCAGTCACCCCAAGTTC[A>G]GCTGACAGAGTTGCTAACGGTGATGGGATACCTGGAGATGAACAAGCTGAAAATAAGGAA-3'
Protein context (NP_000329.2, residues 138-158): LAKNVAVTPS[Ser148=]ADRVANGDGI